The following is an entry in ClinVar:

NM_005215.4(DCC):c.1502G>A (p.Arg501Gln)

Gene: DCC (DCC netrin 1 receptor; plus strand). Cytogenetic location: 18q21.2.
Variant type: single nucleotide variant.
Coding change: c.1502G>A on transcript NM_005215.4 (MANE Select); coding-DNA position 1502, G replaced by A.
Protein change: p.Arg501Gln; replaces arginine 501 with glutamine.
Molecular consequence: missense variant.
Genome position (GRCh38, 1-based): chr18:53,179,045, G>A. VCF-style: chr18-53179045-G-A. GRCh37 (hg19) VCF-style: chr18-50705415-G-A.
Other names: short protein forms R501Q.
Identifiers: ClinVar variation 3903415 (VCV003903415.1).

ClinVar aggregate classification (germline): Uncertain significance (1 of 4 stars; one submission).

gnomAD v4.1: 7 of 1,613,854 alleles (0.00043%); highest among the groups gnomAD compares: African/African-American, 0.0027%; no homozygotes.

Submission:

GeneDx
Classification: Uncertain significance. Last evaluated: 2024-12-10. Review status: criteria provided, single submitter. Criteria: GeneDx Variant Classification Process June 2021. Collection method: clinical testing. Allele origin: germline. Affected: yes.
Comment: In silico analysis supports that this missense variant has a deleterious effect on protein structure/function; Has not been previously published as pathogenic or benign to our knowledge